The following is an entry in ClinVar:

ClinVar aggregate classification (germline): Likely benign. Review status: criteria provided, multiple submitters, no conflicts (2 of 4 stars). 4 submissions from 4 submitters: Likely benign (3). 1 of the submissions does not count toward it. Last evaluated 2022-12-01.

Conditions:
LRP1B-related disorder. Also called: LRP1B-related condition.

Allele frequency attached by ClinVar (database versions not stated): 1000 Genomes Project 0.00479; 1000 Genomes Project 30x 0.00500; gnomAD 0.00561 and 0.00566; gnomAD exomes 0.00563 and 0.00822; ExAC 0.00585; TOPMed 0.00647; ESP Exome Variant Server 0.00654.
gnomAD v4.1: 12,756 of 1,610,948 alleles (0.79%); highest among the groups gnomAD compares: Non-Finnish European, 0.96%; 70 homozygotes.

Submissions (4):

CeGaT Center for Human Genetics Tuebingen
Classification: Likely benign. Last evaluated: 2022-12-01. Review status: criteria provided, single submitter. Criteria: CeGaT Center For Human Genetics Tuebingen Variant Classification Criteria Version 2. Collection method: clinical testing. Allele origin: germline. Affected: yes. Observed: 2 variant alleles.
Comment: LRP1B: BS2

Labcorp Genetics (formerly Invitae), Labcorp
Classification: Likely benign. Last evaluated: 2019-12-31. Review status: criteria provided, single submitter. Criteria: Invitae Variant Classification Sherloc (09022015). Collection method: clinical testing. Allele origin: germline.

Breakthrough Genomics
Classification: Likely benign. Review status: criteria provided, single submitter. Criteria: ACMG Guidelines, 2015. Collection method: not provided. Allele origin: germline. Inheritance: Unknown mechanism. Affected: yes.

PreventionGenetics, part of Exact Sciences
Classification: Benign for LRP1B-related condition. Last evaluated: 2019-06-25. Review status: no assertion criteria provided. Collection method: clinical testing. Allele origin: germline. Not counted in ClinVar's aggregate classification.
Comment: This variant is classified as benign based on ACMG/AMP sequence variant interpretation guidelines (Richards et al. 2015 PMID: 25741868, with internal and published modifications).

NM_018557.3(LRP1B):c.7420G>A (p.Gly2474Ser)

Gene: LRP1B (LDL receptor related protein 1B; minus strand). Cytogenetic location: 2q22.1.
Variant type: single nucleotide variant.
Coding change: c.7420G>A on transcript NM_018557.3 (MANE Select); coding-DNA position 7420, G replaced by A.
Protein change: p.Gly2474Ser; replaces glycine 2474 with serine.
Molecular consequence: missense variant.
Genome position (GRCh38, 1-based): chr2:140,541,066, C>T on the plus strand (G>A on the coding strand, the complement: LRP1B is on the minus strand). VCF-style: chr2-140541066-C-T. GRCh37 (hg19) VCF-style: chr2-141298635-C-T.
Other names: short protein forms G2474S.
Identifiers: ClinVar variation 775179 (VCV000775179.30), dbSNP rs146867394, ClinGen allele CA1894319.
Genomic context (GRCh38, chr2:140,541,066, plus strand): 5'-CCCCTCTGCAGGAACAATTCACTCTCCCATTGGGAGTTAAAAGGCACAAGTCATGGCAGC[C>T]TCCATTCAATAATGCACATGGAGAAAGTTCACCTACAATAAAGAGGGTGTATTGGTAACA-3'
Protein context (NP_061027.2, residues 2464-2484): ELSPCALLNG[Gly2474Ser]CHDLCLLTPN